The following is an entry in ClinVar:

NM_000138.5(FBN1):c.5918-1G>C

Gene: FBN1 (fibrillin 1; minus strand). Cytogenetic location: 15q21.1.
Variant type: single nucleotide variant.
Coding change: c.5918-1G>C on transcript NM_000138.5 (MANE Select); the canonical splice acceptor site of the intron before coding-DNA position 5918, G replaced by C.
Molecular consequence: splice acceptor variant.
Genome position (GRCh38, 1-based): chr15:48,444,661, C>G on the plus strand (G>C on the coding strand, the complement: FBN1 is on the minus strand). VCF-style: chr15-48444661-C-G. GRCh37 (hg19) VCF-style: chr15-48736858-C-G.
Other names: c.5918-1G>C (NM_001406716.1).
Identifiers: ClinVar variation 567577 (VCV000567577.10), dbSNP rs1566898144, ClinGen allele CA392339910.

ClinVar aggregate classification (germline): Pathogenic. Review status: criteria provided, multiple submitters, no conflicts (2 of 4 stars). 2 submissions from 2 submitters: Pathogenic (2). Last evaluated 2025-03-23.

Conditions:
Familial thoracic aortic aneurysm and aortic dissection (TAAD). Also called: Thoracic aortic aneurysms and dissections. Identifiers: Orphanet 91387, MedGen C4707243, MONDO:0019625.
Marfan syndrome (MFS). Also called: FBN1-Related Marfan Syndrome; Marfan syndrome type 1; Marfan's syndrome; Marfan syndrome, classic; MARFAN SYNDROME, TYPE I. Identifiers: Orphanet 284963, Orphanet 558, MedGen C0024796, MONDO:0007947, OMIM 154700.

Submissions (2):

GeneDx
Classification: Pathogenic. Last evaluated: 2025-03-23. Review status: criteria provided, single submitter. Criteria: GeneDx Variant Classification Process June 2021. Collection method: clinical testing. Allele origin: germline. Affected: yes.
Comment: Identified in several patients with Marfan syndrome in the published literature (PMID: 16220557, 34456093); Canonical splice site variant predicted to result in an in-frame loss of the adjacent exon in a gene for which loss of function is a known mechanism of disease; Not observed at significant frequency in large population cohorts (gnomAD); Deletions involving coding exons of this gene are a known mechanism of disease (HGMD; other references); This variant is associated with the following publications: (PMID: 25525159, 20564469, 16220557, 34456093)

Labcorp Genetics (formerly Invitae), Labcorp
Classification: Pathogenic for Marfan syndrome; Familial thoracic aortic aneurysm and aortic dissection. Last evaluated: 2018-02-01. Review status: criteria provided, single submitter. Criteria: Invitae Variant Classification Sherloc (09022015). Collection method: clinical testing. Allele origin: germline.
Comment: For these reasons, this variant has been classified as Pathogenic. Donor and acceptor splice site variants typically lead to a loss of protein function (PMID: 16199547), and loss-of-function variants in FBN1 are known to be pathogenic (PMID: 17657824, 19293843). Algorithms developed to predict the effect of sequence changes on RNA splicing suggest that this variant may disrupt the consensus splice site, but this prediction has not been confirmed by published transcriptional studies. This variant has been reported in several individuals affected with Marfan syndrome (PMID: 16220557, 20564469). This variant is not present in population databases (ExAC no frequency). This sequence change affects an acceptor splice site in intron 48 of the FBN1 gene. It is expected to disrupt RNA splicing and likely results in an absent or disrupted protein product.

Literature cited by the submitters: PubMed 16199547 (cited by Labcorp Genetics (formerly Invitae), Labcorp); PubMed 17657824 (cited by Labcorp Genetics (formerly Invitae), Labcorp); PubMed 19293843 (cited by Labcorp Genetics (formerly Invitae), Labcorp); PubMed 16220557 (cited by Labcorp Genetics (formerly Invitae), Labcorp); PubMed 20564469 (cited by Labcorp Genetics (formerly Invitae), Labcorp).